The following is an entry in ClinVar:

ClinVar aggregate classification (germline): Uncertain significance. Review status: criteria provided, multiple submitters, no conflicts (2 of 4 stars). 2 submissions from 2 submitters: Uncertain significance (2). Last evaluated 2025-10-23.

Conditions:
Immunodeficiency. Identifiers: MedGen C0021051, MONDO:0021094, HP:0002721.

Allele frequency attached by ClinVar (database versions not stated): gnomAD exomes below 0.00001; TOPMed 0.00001; gnomAD 0.00002.
gnomAD v4.1: 11 of 1,614,090 alleles (0.00068%); highest among the groups gnomAD compares: Non-Finnish European, 0.00093%; no homozygotes.

Submissions (2):

Ambry Genetics
Classification: Uncertain significance. Last evaluated: 2025-10-23. Review status: criteria provided, single submitter. Criteria: Ambry Variant Classification Scheme 2023. Collection method: clinical testing. Allele origin: germline.

Labcorp Genetics (formerly Invitae), Labcorp
Classification: Uncertain significance for Immunodeficiency. Last evaluated: 2024-10-21. Review status: criteria provided, single submitter. Criteria: Invitae Variant Classification Sherloc (09022015). Collection method: clinical testing. Allele origin: germline.
Comment: This sequence change replaces isoleucine, which is neutral and non-polar, with valine, which is neutral and non-polar, at codon 607 of the NFAT5 protein (p.Ile607Val). This variant is present in population databases (no rsID available, gnomAD 0.002%). This variant has not been reported in the literature in individuals affected with NFAT5-related conditions. ClinVar contains an entry for this variant (Variation ID: 1062185). An algorithm developed to predict the effect of missense changes on protein structure and function (PolyPhen-2) suggests that this variant is likely to be disruptive. In summary, the available evidence is currently insufficient to determine the role of this variant in disease. Therefore, it has been classified as a Variant of Uncertain Significance.

NM_138713.4(NFAT5):c.2101A>G (p.Ile701Val)

Gene: NFAT5 (nuclear factor of activated T cells 5; plus strand). Cytogenetic location: 16q22.1.
Variant type: single nucleotide variant.
Coding change: c.2101A>G on transcript NM_138713.4 (MANE Select); coding-DNA position 2101, A replaced by G.
Protein change: p.Ile701Val; replaces isoleucine 701 with valine.
Molecular consequence: missense variant.
Genome position (GRCh38, 1-based): chr16:69,691,926, A>G. VCF-style: chr16-69691926-A-G. GRCh37 (hg19) VCF-style: chr16-69725829-A-G.
Other names: c.2098A>G, p.Ile700Val (NM_001113178.3); c.1426A>G, p.Ile476Val (NM_001367709.1); c.2047A>G, p.Ile683Val (NM_006599.4); c.1819A>G, p.Ile607Val (NM_138714.4, NM_173214.3, NM_173215.3); c.2101A>G (NM_138713.3); short protein forms I476V, I607V, I683V, I700V, I701V.
Identifiers: ClinVar variation 1062185 (VCV001062185.10), dbSNP rs768765670, ClinGen allele CA396507230.